The following is an entry in ClinVar:

ClinVar aggregate classification (germline): Uncertain significance (1 of 4 stars; one submission).

Allele frequency attached by ClinVar (database versions not stated): TOPMed below 0.00001.

Submission:

Labcorp Genetics (formerly Invitae), Labcorp
Classification: Uncertain significance. Last evaluated: 2024-01-29. Review status: criteria provided, single submitter. Criteria: Invitae Variant Classification Sherloc (09022015). Collection method: clinical testing. Allele origin: germline.
Comment: This sequence change replaces threonine, which is neutral and polar, with asparagine, which is neutral and polar, at codon 180 of the DVL1 protein (p.Thr180Asn). This variant is not present in population databases (gnomAD no frequency). This variant has not been reported in the literature in individuals affected with DVL1-related conditions. Advanced modeling of protein sequence and biophysical properties (such as structural, functional, and spatial information, amino acid conservation, physicochemical variation, residue mobility, and thermodynamic stability) performed at Invitae indicates that this missense variant is not expected to disrupt DVL1 protein function with a negative predictive value of 80%. In summary, the available evidence is currently insufficient to determine the role of this variant in disease. Therefore, it has been classified as a Variant of Uncertain Significance.

NM_001330311.2(DVL1):c.539C>A (p.Thr180Asn)

Gene: DVL1 (dishevelled segment polarity protein 1; minus strand). Cytogenetic location: 1p36.33.
Variant type: single nucleotide variant.
Coding change: c.539C>A on transcript NM_001330311.2 (MANE Select); coding-DNA position 539, C replaced by A.
Protein change: p.Thr180Asn; replaces threonine 180 with asparagine.
Molecular consequence: missense variant.
Genome position (GRCh38, 1-based): chr1:1,341,733, G>T on the plus strand (C>A on the coding strand, the complement: DVL1 is on the minus strand). VCF-style: chr1-1341733-G-T. GRCh37 (hg19) VCF-style: chr1-1277113-G-T.
Other names: c.539C>A, p.Thr180Asn (NM_004421.3); short protein forms T180N.
Identifiers: ClinVar variation 2873539 (VCV002873539.3), dbSNP rs1643838294, ClinGen allele CA337874259.
Genomic context (GRCh38, chr1:1,341,733, plus strand): 5'-GTGCTGCCATCCTCGTCCGAGTCCACAAAGCTGCTGGACTCAAGCTCGCTGCTGAGGGCG[G>T]TGGACGCGCTGTCTGGGGGCAGCCCCACATCCCGCCGTCGGTCTCCCCTTGGGTGCCCAT-3'
Protein context (NP_001317240.1, residues 170-190): DVGLPPDSAS[Thr180Asn]ALSSELESSS